The following is an entry in ClinVar:

NM_001170535.3(ATAD3A):c.1651G>C (p.Glu551Gln)

Gene: ATAD3A (ATPase family AAA domain containing 3A; plus strand). Cytogenetic location: 1p36.33.
Variant type: single nucleotide variant.
Coding change: c.1651G>C on transcript NM_001170535.3 (MANE Select); coding-DNA position 1651, G replaced by C.
Protein change: p.Glu551Gln; replaces glutamic acid 551 with glutamine.
Molecular consequence: missense variant.
Genome position (GRCh38, 1-based): chr1:1,533,962, G>C. VCF-style: chr1-1533962-G-C. GRCh37 (hg19) VCF-style: chr1-1469342-G-C.
Other names: c.1414G>C, p.Glu472Gln (NM_001170536.3); c.1795G>C, p.Glu599Gln (NM_018188.5); short protein forms E551Q, E472Q, E599Q.
Identifiers: ClinVar variation 2591738 (VCV002591738.3), dbSNP rs368805470, ClinGen allele CA526535.

ClinVar aggregate classification (germline): Uncertain significance. Review status: criteria provided, multiple submitters, no conflicts (2 of 4 stars). 2 submissions from 2 submitters: Uncertain significance (2). Last evaluated 2024-02-05.

Conditions:
Inborn genetic diseases. Identifiers: MedGen C0950123, MeSH D030342.

gnomAD v4.1: 20 of 1,613,268 alleles (0.0012%); highest among the groups gnomAD compares: Admixed American, 0.027%; no homozygotes.

Submissions (2):

GeneDx
Classification: Uncertain significance. Last evaluated: 2024-02-05. Review status: criteria provided, single submitter. Criteria: GeneDx Variant Classification Process June 2021. Collection method: clinical testing. Allele origin: germline. Affected: yes.
Comment: Not observed at significant frequency in large population cohorts (gnomAD); In silico analysis supports that this missense variant does not alter protein structure/function; Has not been previously published as pathogenic or benign to our knowledge

Ambry Genetics
Classification: Uncertain significance for Inborn genetic diseases. Last evaluated: 2023-07-06. Review status: criteria provided, single submitter. Criteria: Ambry Variant Classification Scheme 2023. Collection method: clinical testing. Allele origin: germline.